The following is an entry in ClinVar:

NM_033118.4(MYLK2):c.490G>T (p.Ala164Ser)

Gene: MYLK2 (myosin light chain kinase 2; plus strand). Cytogenetic location: 20q11.21.
Variant type: single nucleotide variant.
Coding change: c.490G>T on transcript NM_033118.4 (MANE Select); coding-DNA position 490, G replaced by T.
Protein change: p.Ala164Ser; replaces alanine 164 with serine.
Molecular consequence: missense variant.
Genome position (GRCh38, 1-based): chr20:31,821,455, G>T. VCF-style: chr20-31821455-G-T. GRCh37 (hg19) VCF-style: chr20-30409258-G-T.
Other names: short protein forms A164S.
Identifiers: ClinVar variation 956741 (VCV000956741.10), dbSNP rs1402022243, ClinGen allele CA408525719.

ClinVar aggregate classification (germline): Uncertain significance. Review status: criteria provided, multiple submitters, no conflicts (2 of 4 stars). 2 submissions from 2 submitters: Uncertain significance (2). Last evaluated 2024-03-04.

Conditions:
Hypertrophic cardiomyopathy 1 (CMH1). Also called: Familial hypertrophic cardiomyopathy 1; MYH7-Related Familial Hypertrophic Cardiomyopathy. Identifiers: MedGen C3495498, MONDO:0008647, OMIM 192600.

Allele frequency attached by ClinVar (database versions not stated): gnomAD exomes below 0.00001; gnomAD 0.00001; TOPMed 0.00001.
gnomAD v4.1: 6 of 1,613,470 alleles (0.00037%); highest among the groups gnomAD compares: Non-Finnish European, 0.00051%; no homozygotes.

Submissions (2):

Ambry Genetics
Classification: Uncertain significance. Last evaluated: 2024-03-04. Review status: criteria provided, single submitter. Criteria: Ambry Variant Classification Scheme 2023. Collection method: clinical testing. Allele origin: germline.
Comment: The p.A164S variant (also known as c.490G>T), located in coding exon 3 of the MYLK2 gene, results from a G to T substitution at nucleotide position 490. The alanine at codon 164 is replaced by serine, an amino acid with similar properties. This amino acid position is conserved. In addition, this alteration is predicted to be tolerated by in silico analysis. Based on the available evidence, the clinical significance of this alteration remains unclear.

Labcorp Genetics (formerly Invitae), Labcorp
Classification: Uncertain significance for Hypertrophic cardiomyopathy 1. Last evaluated: 2019-09-30. Review status: criteria provided, single submitter. Criteria: Invitae Variant Classification Sherloc (09022015). Collection method: clinical testing. Allele origin: germline.
Comment: This sequence change replaces alanine with serine at codon 164 of the MYLK2 protein (p.Ala164Ser). The alanine residue is moderately conserved and there is a moderate physicochemical difference between alanine and serine. This variant is not present in population databases (ExAC no frequency). In summary, the available evidence is currently insufficient to determine the role of this variant in disease. Therefore, it has been classified as a Variant of Uncertain Significance. Algorithms developed to predict the effect of missense changes on protein structure and function (SIFT, PolyPhen-2, Align-GVGD) all suggest that this variant is likely to be tolerated, but these predictions have not been confirmed by published functional studies and their clinical significance is uncertain. This variant has not been reported in the literature in individuals with MYLK2-related conditions.